The following is an entry in ClinVar:

NM_001354930.2(RIPK1):c.1849C>T (p.His617Tyr)

Gene: RIPK1 (receptor interacting serine/threonine kinase 1; plus strand). Cytogenetic location: 6p25.2.
Variant type: single nucleotide variant.
Coding change: c.1849C>T on transcript NM_001354930.2 (MANE Select); coding-DNA position 1849, C replaced by T.
Protein change: p.His617Tyr; replaces histidine 617 with tyrosine.
Molecular consequence: missense variant.
Genome position (GRCh38, 1-based): chr6:3,113,172, C>T. VCF-style: chr6-3113172-C-T. GRCh37 (hg19) VCF-style: chr6-3113406-C-T.
Other names: c.1360C>T, p.His454Tyr (NM_001317061.3, NM_001354932.2, NM_001354933.2 and 1 more transcripts); c.1711C>T, p.His571Tyr (NM_001354931.2); c.1849C>T, p.His617Tyr (NM_003804.6); short protein forms H454Y, H571Y, H617Y.
Identifiers: ClinVar variation 2801116 (VCV002801116.3), dbSNP rs1340654900, ClinGen allele CA362577911.

ClinVar aggregate classification (germline): Uncertain significance (1 of 4 stars; one submission).

Allele frequency attached by ClinVar (database versions not stated): gnomAD exomes below 0.00001; TOPMed below 0.00001.
gnomAD v4.1: 2 of 1,613,928 alleles (0.00012%); highest among the groups gnomAD compares: Non-Finnish European, 0.00017%; no homozygotes.

Submission:

Labcorp Genetics (formerly Invitae), Labcorp
Classification: Uncertain significance. Last evaluated: 2024-04-02. Review status: criteria provided, single submitter. Criteria: Invitae Variant Classification Sherloc (09022015). Collection method: clinical testing. Allele origin: germline.
Comment: This sequence change replaces histidine, which is basic and polar, with tyrosine, which is neutral and polar, at codon 617 of the RIPK1 protein (p.His617Tyr). This variant is present in population databases (no rsID available, gnomAD 0.0009%). This variant has not been reported in the literature in individuals affected with RIPK1-related conditions. An algorithm developed to predict the effect of missense changes on protein structure and function (PolyPhen-2) suggests that this variant is likely to be disruptive. In summary, the available evidence is currently insufficient to determine the role of this variant in disease. Therefore, it has been classified as a Variant of Uncertain Significance.